The following is an entry in ClinVar:

ClinVar aggregate classification (germline): Likely pathogenic. Review status: criteria provided, single submitter (1 of 4 stars). 2 submissions from 2 submitters: Likely pathogenic (1). 1 of the submissions does not count toward it. Last evaluated 2024-08-08.

Conditions:
Coffin-Siris syndrome 12. Identifiers: MedGen C5444111, MONDO:0025699, OMIM 619325.

Submissions (2):

Division of Genetic & Genomic Pathology, Hong Kong Children's Hospital
Classification: Likely pathogenic for Coffin-Siris syndrome 12. Last evaluated: 2024-08-08. Review status: criteria provided, single submitter. Criteria: ACMG Guidelines, 2015. Collection method: clinical testing. Allele origin: germline. Affected: yes.
Comment: The BICRA:c.1993C>T p.(Gln665Ter) nonsense variant is located in exon 6 out of 15 exons. It is predicted to cause loss of normal protein function by nonsense-mediated mRNA decay. This variant is absent from population controls (gnomAD v4.1.0). It is classified as likely pathogenic in Clinvar (VCV001106676.1), and has been reported in a patient with developmental delay, intellectual disability, and dysmorphic facial features (PMID: 33232675). Multiple downstream truncating BICRA variants have been reported as pathogenic in ClinVar. For these reasons, BICRA:c.1993C>T p.(Gln665Ter) is classified as likely pathogenic.

OMIM
Classification: Pathogenic for COFFIN-SIRIS SYNDROME 12. Last evaluated: 2021-05-20. Review status: no assertion criteria provided. Collection method: literature only. Allele origin: germline. Not counted in ClinVar's aggregate classification.

Literature cited by the submitters: PubMed 33232675 (cited by Division of Genetic & Genomic Pathology, Hong Kong Children's Hospital and OMIM).

NM_001394372.1(BICRA):c.1993C>T (p.Gln665Ter)

Gene: BICRA (BRD4 interacting chromatin remodeling complex associated protein; plus strand). Cytogenetic location: 19q13.33.
Variant type: single nucleotide variant.
Coding change: c.1993C>T on transcript NM_001394372.1 (MANE Select); coding-DNA position 1993, C replaced by T.
Protein change: p.Gln665Ter; replaces glutamine 665 with a stop codon.
Molecular consequence: nonsense.
Genome position (GRCh38, 1-based): chr19:47,681,163, C>T. VCF-style: chr19-47681163-C-T. GRCh37 (hg19) VCF-style: chr19-48184420-C-T.
Other names: c.1993C>T, p.Gln665Ter (NM_015711.3); short protein forms Q665*.
Identifiers: ClinVar variation 1106676 (VCV001106676.2), dbSNP rs1229548274, ClinGen allele CA406616603.
Genomic context (GRCh38, chr19:47,681,163, plus strand): 5'-CAGCAGCCCCCGCAGGCCCCCACCCCACAGGCCGCCGCCCCGCCTCAGGCCACCACCCCC[C>T]AGCCCAGCCCTGGCCTGGCGTCTAGCCCGGAGAAGATCGTCCTGGGGCAGCCGCCCTCTG-3'